The following is an entry in ClinVar:

ClinVar aggregate classification (germline): Uncertain significance (1 of 4 stars; one submission).

Submission:

GeneDx
Classification: Uncertain significance. Last evaluated: 2024-08-06. Review status: criteria provided, single submitter. Criteria: GeneDx Variant Classification Process June 2021. Collection method: clinical testing. Allele origin: germline. Affected: yes.
Comment: Not observed at significant frequency in large population cohorts (gnomAD); In silico analysis supports that this missense variant has a deleterious effect on protein structure/function; Has not been previously published as pathogenic or benign to our knowledge

NM_006421.5(ARFGEF1):c.4370A>G (p.His1457Arg)

Gene: ARFGEF1 (ARF guanine nucleotide exchange factor 1; minus strand). Cytogenetic location: 8q13.2.
Variant type: single nucleotide variant.
Coding change: c.4370A>G on transcript NM_006421.5 (MANE Select); coding-DNA position 4370, A replaced by G.
Protein change: p.His1457Arg; replaces histidine 1457 with arginine.
Molecular consequence: missense variant. On other transcripts: non-coding transcript variant (1).
Genome position (GRCh38, 1-based): chr8:67,218,107, T>C on the plus strand (A>G on the coding strand, the complement: ARFGEF1 is on the minus strand). VCF-style: chr8-67218107-T-C. GRCh37 (hg19) VCF-style: chr8-68130342-T-C.
Other names: c.4370A>G, p.His1457Arg (NM_001413184.1, NM_001413185.1, NM_001413186.1 and 5 more transcripts); c.3770A>G, p.His1257Arg (NM_001413188.1, NM_001413193.1, NM_001413197.1); c.4364A>G, p.His1455Arg (NM_001413190.1); c.2945A>G, p.His982Arg (NM_001413196.1); short protein forms H1257R, H1455R, H1457R, H982R.
Identifiers: ClinVar variation 3603082 (VCV003603082.1).